The following is an entry in ClinVar:

NM_001278064.2(GRM1):c.3479C>T (p.Ser1160Leu)

Gene: GRM1 (glutamate metabotropic receptor 1; plus strand). Cytogenetic location: 6q24.3.
Variant type: single nucleotide variant.
Coding change: c.3479C>T on transcript NM_001278064.2 (MANE Select); coding-DNA position 3479, C replaced by T.
Protein change: p.Ser1160Leu; replaces serine 1160 with leucine.
Molecular consequence: missense variant. On other transcripts: 3 prime UTR variant (3).
Genome position (GRCh38, 1-based): chr6:146,434,690, C>T. VCF-style: chr6-146434690-C-T. GRCh37 (hg19) VCF-style: chr6-146755826-C-T.
Other names: c.*843C>T (NM_001278065.2); c.*808C>T (NM_001278066.1); c.*717C>T (NM_001278067.1); short protein forms S1160L.
Identifiers: ClinVar variation 2673084 (VCV002673084.23), dbSNP rs1778538011, ClinGen allele CA366193876.

ClinVar aggregate classification (germline): Uncertain significance (1 of 4 stars; one submission).

gnomAD v4.1: 1 of 1,605,150 alleles (0.000062%); highest among the groups gnomAD compares: Non-Finnish European, 0.000085%; no homozygotes.

Submission:

CeGaT Center for Human Genetics Tuebingen
Classification: Uncertain significance. Last evaluated: 2023-11-01. Review status: criteria provided, single submitter. Criteria: CeGaT Center For Human Genetics Tuebingen Variant Classification Criteria Version 2. Collection method: clinical testing. Allele origin: germline. Affected: yes. Observed: 1 variant allele.
Comment: GRM1: PM2